The following is an entry in ClinVar:

ClinVar aggregate classification (germline): Likely benign. Review status: criteria provided, multiple submitters, no conflicts (2 of 4 stars). 3 submissions from 3 submitters: Likely benign (2). 1 of the submissions does not count toward it. Last evaluated 2026-01-23.

Conditions:
PLA2G4A-related disorder. Also called: PLA2G4A-related condition.

Allele frequency attached by ClinVar (database versions not stated): ExAC 0.00016; gnomAD 0.00030; ESP Exome Variant Server 0.00031; TOPMed 0.00032.
gnomAD v4.1: 798 of 1,611,910 alleles (0.05%); highest among the groups gnomAD compares: Non-Finnish European, 0.061%; 1 homozygote.

Submissions (3):

Labcorp Genetics (formerly Invitae), Labcorp
Classification: Likely benign. Last evaluated: 2026-01-23. Review status: criteria provided, single submitter. Criteria: Invitae Variant Classification Sherloc (09022015). Collection method: clinical testing. Allele origin: germline.

Blueprint Genetics
Classification: Likely benign. Last evaluated: 2024-03-07. Review status: criteria provided, single submitter. Criteria: ACMG Guidelines, 2015. Collection method: clinical testing. Allele origin: germline.

PreventionGenetics, part of Exact Sciences
Classification: Likely benign for PLA2G4A-related condition. Last evaluated: 2019-10-28. Review status: no assertion criteria provided. Collection method: clinical testing. Allele origin: germline. Not counted in ClinVar's aggregate classification.
Comment: This variant is classified as likely benign based on ACMG/AMP sequence variant interpretation guidelines (Richards et al. 2015 PMID: 25741868, with internal and published modifications).

NM_024420.3(PLA2G4A):c.1188C>A (p.Ala396=)

Gene: PLA2G4A (phospholipase A2 group IVA; plus strand). Cytogenetic location: 1q31.1.
Variant type: single nucleotide variant.
Coding change: c.1188C>A on transcript NM_024420.3 (MANE Select); coding-DNA position 1188, C replaced by A.
Protein change: p.Ala396=; no amino-acid change (alanine 396 retained).
Molecular consequence: synonymous variant.
Genome position (GRCh38, 1-based): chr1:186,946,885, C>A. VCF-style: chr1-186946885-C-A. GRCh37 (hg19) VCF-style: chr1-186916017-C-A.
Other names: c.1188C>A (NM_024420.2); c.1008C>A, p.Ala336= (NM_001311193.2).
Identifiers: ClinVar variation 2082690 (VCV002082690.7), dbSNP rs139670416, ClinGen allele CA1300147.